The following is an entry in ClinVar:

NM_201548.5(CERKL):c.131A>C (p.Glu44Ala)

Gene: CERKL (CERK like autophagy regulator; minus strand). Cytogenetic location: 2q31.3.
Variant type: single nucleotide variant.
Coding change: c.131A>C on transcript NM_201548.5 (MANE Select); coding-DNA position 131, A replaced by C.
Protein change: p.Glu44Ala; replaces glutamic acid 44 with alanine.
Molecular consequence: missense variant. On other transcripts: non-coding transcript variant (2).
Genome position (GRCh38, 1-based): chr2:181,656,876, T>G on the plus strand (A>C on the coding strand, the complement: CERKL is on the minus strand). VCF-style: chr2-181656876-T-G. GRCh37 (hg19) VCF-style: chr2-182521603-T-G.
Other names: c.131A>C, p.Glu44Ala (NM_001030311.3, NM_001030312.3, NM_001030313.3 and 1 more transcripts); short protein forms E44A.
Identifiers: ClinVar variation 850474 (VCV000850474.9), dbSNP rs951669631, ClinGen allele CA61639557.

ClinVar aggregate classification (germline): Uncertain significance. Review status: criteria provided, multiple submitters, no conflicts (2 of 4 stars). 2 submissions from 2 submitters: Uncertain significance (2). Last evaluated 2024-04-24.

gnomAD v4.1: 6 of 1,605,410 alleles (0.00037%); highest among the groups gnomAD compares: Non-Finnish European, 0.00051%; no homozygotes.

Submissions (2):

Labcorp Genetics (formerly Invitae), Labcorp
Classification: Uncertain significance. Last evaluated: 2024-04-24. Review status: criteria provided, single submitter. Criteria: Invitae Variant Classification Sherloc (09022015). Collection method: clinical testing. Allele origin: germline.
Comment: This sequence change replaces glutamic acid, which is acidic and polar, with alanine, which is neutral and non-polar, at codon 44 of the CERKL protein (p.Glu44Ala). This variant is not present in population databases (gnomAD no frequency). This variant has not been reported in the literature in individuals affected with CERKL-related conditions. ClinVar contains an entry for this variant (Variation ID: 850474). An algorithm developed to predict the effect of missense changes on protein structure and function (PolyPhen-2) suggests that this variant¬†is likely to be tolerated. In summary, the available evidence is currently insufficient to determine the role of this variant in disease. Therefore, it has been classified as a Variant of Uncertain Significance.

Blueprint Genetics
Classification: Uncertain significance. Last evaluated: 2019-04-04. Review status: criteria provided, single submitter. Criteria: ACMG Guidelines, 2015. Collection method: clinical testing. Allele origin: germline.